The following is an entry in ClinVar:

ClinVar aggregate classification (germline): Uncertain significance (1 of 4 stars; one submission).

Conditions:
Hereditary cancer-predisposing syndrome. Also called: Tumor predisposition; Hereditary Cancer Syndrome; Hereditary neoplastic syndrome; Neoplastic Syndromes, Hereditary. Identifiers: Orphanet 140162, MedGen C0027672, MeSH D009386, MONDO:0015356.

gnomAD v4.1: 1 of 1,612,034 alleles (0.000062%); no homozygotes.

Submission:

Ambry Genetics
Classification: Uncertain significance for Hereditary cancer-predisposing syndrome. Last evaluated: 2023-08-11. Review status: criteria provided, single submitter. Criteria: Ambry Variant Classification Scheme 2023. Collection method: clinical testing. Allele origin: germline.
Comment: The p.S1290T variant (also known as c.3869G>C), located in coding exon 31 of the TSC2 gene, results from a G to C substitution at nucleotide position 3869. The serine at codon 1290 is replaced by threonine, an amino acid with similar properties. This amino acid position is conserved. In addition, the in silico prediction for this alteration is inconclusive. Since supporting evidence is limited at this time, the clinical significance of this alteration remains unclear.

NM_000548.5(TSC2):c.3869G>C (p.Ser1290Thr)

Gene: TSC2 (TSC complex subunit 2; plus strand). Cytogenetic location: 16p13.3.
Variant type: single nucleotide variant.
Coding change: c.3869G>C on transcript NM_000548.5 (MANE Select); coding-DNA position 3869, G replaced by C.
Protein change: p.Ser1290Thr; replaces serine 1290 with threonine.
Molecular consequence: missense variant. On other transcripts: intron variant (33), non-coding transcript variant (1).
Genome position (GRCh38, 1-based): chr16:2,082,490, G>C. VCF-style: chr16-2082490-G-C. GRCh37 (hg19) VCF-style: chr16-2132491-G-C.
Other names: c.2338+692G>C (NM_001406695.1, NM_001406696.1, NM_001406697.1); c.3082+692G>C (NM_001406688.1, NM_001406687.1); c.3664+692G>C (NM_001406676.1); c.3223+692G>C (NM_001406681.1); c.3703+692G>C (NM_001406670.1); c.3625+692G>C (NM_001406677.1); c.3667+692G>C (NM_001406675.1); c.3673+692G>C (NM_001406671.1); and 25 more; short protein forms S1246T, S1247T, S1090T, S1290T, S1046T, S799T, S1289T, S798T.
Identifiers: ClinVar variation 2626438 (VCV002626438.2), dbSNP rs2090266691, ClinGen allele CA394295189.